The following is an entry in ClinVar:

ClinVar aggregate classification (germline): Uncertain significance (1 of 4 stars; one submission).

Allele frequency attached by ClinVar (database versions not stated): TOPMed 0.00001; gnomAD 0.00002; gnomAD exomes 0.00002.
gnomAD v4.1: 35 of 1,613,428 alleles (0.0022%); highest among the groups gnomAD compares: Non-Finnish European, 0.0027%; no homozygotes.

Submission:

Ambry Genetics
Classification: Uncertain significance. Last evaluated: 2022-12-23. Review status: criteria provided, single submitter. Criteria: Ambry Variant Classification Scheme 2023. Collection method: clinical testing. Allele origin: germline.
Comment: The p.A398D variant (also known as c.1193C>A), located in coding exon 3 of the ALPK2 gene, results from a C to A substitution at nucleotide position 1193. The alanine at codon 398 is replaced by aspartic acid, an amino acid with dissimilar properties. This amino acid position is conserved. In addition, this alteration is predicted to be tolerated by in silico analysis. Since supporting evidence is limited at this time, the clinical significance of this alteration remains unclear.

NM_052947.4(ALPK2):c.1193C>A (p.Ala398Asp)

Genes: ALPK2 (alpha kinase 2; minus strand), LOC114803473 (ALPK2 eExon liver enhancer; plus strand). Cytogenetic location: 18q21.31.
Variant type: single nucleotide variant.
Coding change: c.1193C>A on transcript NM_052947.4 (MANE Select); coding-DNA position 1193, C replaced by A.
Protein change: p.Ala398Asp; replaces alanine 398 with aspartic acid.
Molecular consequence: missense variant.
Genome position (GRCh38, 1-based): chr18:58,579,583, G>T on the plus strand (C>A on the coding strand, the complement: ALPK2 is on the minus strand). VCF-style: chr18-58579583-G-T. GRCh37 (hg19) VCF-style: chr18-56246815-G-T.
Other names: short protein forms A398D.
Identifiers: ClinVar variation 2450661 (VCV002450661.2), dbSNP rs1243131711, ClinGen allele CA402564210.
Genomic context (GRCh38, chr18:58,579,583, plus strand): 5'-GAGACTCTGCTGCTCCTCACCCCAACTTCTTGGGGTTGTGAGTGATGACCACAGAAGCCA[G>T]CAGTGGCAACCATAGGCCCAGCGTCACCCGACACCCGAGACCCACAACCCATTCCACTGA-3'
Protein context (NP_443179.3, residues 388-408): SGDAGPMVAT[Ala398Asp]GFCGHHSQPQ